The following is an entry in ClinVar:

NM_024911.7(WLS):c.971T>C (p.Met324Thr)

Genes: GNG12-AS1 (GNG12, DIRAS3 and WLS antisense RNA 1; plus strand), WLS (Wnt ligand secretion mediator; minus strand). Cytogenetic location: 1p31.3.
Variant type: single nucleotide variant.
Coding change: c.971T>C on transcript NM_024911.7 (MANE Select); coding-DNA position 971, T replaced by C.
Protein change: p.Met324Thr; replaces methionine 324 with threonine.
Molecular consequence: missense variant.
Genome position (GRCh38, 1-based): chr1:68,150,189, A>G on the plus strand (T>C on the coding strand, the complement: WLS is on the minus strand). VCF-style: chr1-68150189-A-G. GRCh37 (hg19) VCF-style: chr1-68615872-A-G.
Other names: c.965T>C, p.Met322Thr (NM_001002292.4); c.698T>C, p.Met233Thr (NM_001193334.1); short protein forms M233T, M322T, M324T.
Identifiers: ClinVar variation 3359123 (VCV003359123.2).

ClinVar aggregate classification (germline): Uncertain significance (1 of 4 stars; one submission).

Conditions:
Zaki syndrome. Also called: MICROCEPHALY, PROGRESSIVE, WITH DEVELOPMENTAL DELAY, CUPPED EARS, AND DYSMORPHIC FEATURES. Identifiers: MedGen C5562037, MONDO:0859209, OMIM 619648.

Submission:

Institute of Human Genetics, University of Leipzig Medical Center
Classification: Uncertain significance for Zaki syndrome. Last evaluated: 2024-05-29. Review status: criteria provided, single submitter. Criteria: ACMG Guidelines, 2015. Collection method: clinical testing. Allele origin: maternal. Inheritance: Autosomal recessive inheritance. Affected: yes.
Comment: Criteria applied: PM2,PP3; Identified as compund heterozygous with NM_024911.7:c.1514A>G